The following is an entry in ClinVar:

NM_022168.4(IFIH1):c.1583del (p.Leu528fs)

Gene: IFIH1 (interferon induced with helicase C domain 1; minus strand). Cytogenetic location: 2q24.2.
Variant type: Deletion.
Coding change: c.1583del on transcript NM_022168.4 (MANE Select); coding-DNA position 1583, one base deleted (T; older notation c.1583delT).
Protein change: p.Leu528fs; shifts the reading frame from leucine 528.
Molecular consequence: frameshift variant.
Genome position (GRCh38, 1-based): chr2:162,280,054, A deleted on the plus strand (T on the coding strand, the reverse complement: IFIH1 is on the minus strand). VCF-style (leftmost placement, unchanged base first): chr2-162280053-CA-C. GRCh37 (hg19) VCF-style: chr2-163136563-CA-C.
Other names: short protein forms L528fs.
Identifiers: ClinVar variation 4850274 (VCV004850274.1).
Genomic context (GRCh38, chr2:162,280,053, plus strand): 5'-TACTTCTCTGGTTGCATCTGCAATGGCAAACTTCTTGCATGGCTCCTGTATTTGGTTTTT[CA>C]GTTGATCAAGGTTTTCTTTAACAGTTTTAATAGTAAATGCATCAAGATTGGCACATAGCT-3'

ClinVar aggregate classification (germline): Likely pathogenic (1 of 4 stars; one submission).

Conditions:
Immunodeficiency 95 (IMD95). Identifiers: MedGen C5676929, MONDO:0030692, OMIM 619773.

Submission:

First Genomix Gene Laboratory, Genetic Diagnostics Department
Classification: Likely pathogenic for Immunodeficiency 95. Last evaluated: 2025-09-03. Review status: criteria provided, single submitter. Criteria: ACMG Guidelines, 2015. Collection method: clinical testing. Allele origin: germline. Inheritance: Autosomal recessive inheritance. Affected: no. Observed: 1 variant allele.